The following is an entry in ClinVar:

ClinVar aggregate classification (germline): Uncertain significance (1 of 4 stars; one submission).

Allele frequency attached by ClinVar (database versions not stated): gnomAD 0.00001.

Submission:

Labcorp Genetics (formerly Invitae), Labcorp
Classification: Uncertain significance. Last evaluated: 2021-07-24. Review status: criteria provided, single submitter. Criteria: Invitae Variant Classification Sherloc (09022015). Collection method: clinical testing. Allele origin: germline.
Comment: In summary, the available evidence is currently insufficient to determine the role of this variant in disease. Therefore, it has been classified as a Variant of Uncertain Significance. Algorithms developed to predict the effect of missense changes on protein structure and function (SIFT, PolyPhen-2, Align-GVGD) all suggest that this variant is likely to be tolerated. This variant has not been reported in the literature in individuals affected with TBCK-related conditions. This variant is not present in population databases (ExAC no frequency). This sequence change replaces lysine with glutamic acid at codon 742 of the TBCK protein (p.Lys742Glu). The lysine residue is moderately conserved and there is a small physicochemical difference between lysine and glutamic acid.

NM_001163435.3(TBCK):c.2224A>G (p.Lys742Glu)

Gene: TBCK (TBC1 domain containing kinase; minus strand). Cytogenetic location: 4q24.
Variant type: single nucleotide variant.
Coding change: c.2224A>G on transcript NM_001163435.3 (MANE Select); coding-DNA position 2224, A replaced by G.
Protein change: p.Lys742Glu; replaces lysine 742 with glutamic acid.
Molecular consequence: missense variant.
Genome position (GRCh38, 1-based): chr4:106,171,106, T>C on the plus strand (A>G on the coding strand, the complement: TBCK is on the minus strand). VCF-style: chr4-106171106-T-C. GRCh37 (hg19) VCF-style: chr4-107092263-T-C.
Other names: c.2224A>G, p.Lys742Glu (NM_001163436.4); c.2107A>G, p.Lys703Glu (NM_001163437.3); c.1708A>G, p.Lys570Glu (NM_001290768.2); c.2035A>G, p.Lys679Glu (NM_033115.5); short protein forms K742E, K679E, K570E, K703E.
Identifiers: ClinVar variation 1415044 (VCV001415044.6), dbSNP rs1750940072, ClinGen allele CA357819094.